The following is an entry in ClinVar:

ClinVar aggregate classification (germline): Uncertain significance (1 of 4 stars; one submission).

Conditions:
Congenital myopathy with internal nuclei and atypical cores. Also called: Myopathy, centronuclear, 4. Identifiers: Orphanet 319160, MedGen C4707232, MONDO:0013890, OMIM 614807.

Submission:

Labcorp Genetics (formerly Invitae), Labcorp
Classification: Uncertain significance for Congenital myopathy with internal nuclei and atypical cores. Last evaluated: 2026-02-01. Review status: criteria provided, single submitter. Criteria: Invitae Variant Classification Sherloc (09022015). Collection method: clinical testing. Allele origin: germline.
Comment: This sequence change replaces alanine, which is neutral and non-polar, with serine, which is neutral and polar, at codon 296 of the CCDC78 protein (p.Ala296Ser). This variant is not present in population databases (gnomAD no frequency). This variant has not been reported in the literature in individuals affected with CCDC78-related conditions. ClinVar contains an entry for this variant (Variation ID: 3712289). Invitae Evidence Modeling of protein sequence and biophysical properties (such as structural, functional, and spatial information, amino acid conservation, physicochemical variation, residue mobility, and thermodynamic stability) has been performed for this missense variant. However, the output from this modeling did not meet the statistical confidence thresholds required to predict the impact of this variant on CCDC78 protein function. In summary, the available evidence is currently insufficient to determine the role of this variant in disease. Therefore, it has been classified as a Variant of Uncertain Significance.

NM_001378030.1(CCDC78):c.886G>T (p.Ala296Ser)

Gene: CCDC78 (coiled-coil domain containing 78; minus strand). Cytogenetic location: 16p13.3.
Variant type: single nucleotide variant.
Coding change: c.886G>T on transcript NM_001378030.1 (MANE Select); coding-DNA position 886, G replaced by T.
Protein change: p.Ala296Ser; replaces alanine 296 with serine.
Molecular consequence: missense variant. On other transcripts: non-coding transcript variant (5).
Genome position (GRCh38, 1-based): chr16:724,389, C>A on the plus strand (G>T on the coding strand, the complement: CCDC78 is on the minus strand). VCF-style: chr16-724389-C-A. GRCh37 (hg19) VCF-style: chr16-774389-C-A.
Other names: c.886G>T, p.Ala296Ser (NM_001031737.3, NM_001378031.1); c.319G>T, p.Ala107Ser (NM_001378033.1); short protein forms A107S, A296S.
Identifiers: ClinVar variation 3712289 (VCV003712289.2).